The following is an entry in ClinVar:

NM_004186.5(SEMA3F):c.2271C>T (p.Pro757=)

Gene: SEMA3F (semaphorin 3F; plus strand). Cytogenetic location: 3p21.31.
Variant type: single nucleotide variant.
Coding change: c.2271C>T on transcript NM_004186.5 (MANE Select); coding-DNA position 2271, C replaced by T.
Protein change: p.Pro757=; no amino-acid change (proline 757 retained).
Molecular consequence: synonymous variant.
Genome position (GRCh38, 1-based): chr3:50,188,028, C>T. VCF-style: chr3-50188028-C-T. GRCh37 (hg19) VCF-style: chr3-50225461-C-T.
Other names: c.1974C>T, p.Pro658= (NM_001318798.2); c.2178C>T, p.Pro726= (NM_001318800.2).
Identifiers: ClinVar variation 4986240 (VCV004986240.1).

ClinVar aggregate classification (germline): Likely benign (1 of 4 stars; one submission).

Conditions:
SEMA3F-related disorder. Also called: SEMA3F-related condition.

gnomAD v4.1: 11 of 1,598,854 alleles (0.00069%); highest among the groups gnomAD compares: Middle Eastern, 0.033%; no homozygotes.

Submission:

PreventionGenetics, part of Exact Sciences
Classification: Likely benign for SEMA3F-related condition. Last evaluated: 2025-03-13. Review status: criteria provided, single submitter. Criteria: ACMG Guidelines, 2015. Collection method: clinical testing. Allele origin: germline.
Comment: This variant is classified as likely benign based on ACMG/AMP sequence variant interpretation guidelines (Richards et al. 2015 PMID: 25741868, with internal and published modifications).